The following is an entry in ClinVar:

NM_000135.4(FANCA):c.2584C>G (p.Pro862Ala)

Gene: FANCA (FA complementation group A; minus strand). Cytogenetic location: 16q24.3.
Variant type: single nucleotide variant.
Coding change: c.2584C>G on transcript NM_000135.4 (MANE Select); coding-DNA position 2584, C replaced by G.
Protein change: p.Pro862Ala; replaces proline 862 with alanine.
Molecular consequence: missense variant.
Genome position (GRCh38, 1-based): chr16:89,767,158, G>C on the plus strand (C>G on the coding strand, the complement: FANCA is on the minus strand). VCF-style: chr16-89767158-G-C. GRCh37 (hg19) VCF-style: chr16-89833566-G-C.
Other names: c.2584C>G, p.Pro862Ala (NM_001286167.3); short protein forms P862A.
Identifiers: ClinVar variation 2082109 (VCV002082109.2), dbSNP rs1274600695, ClinGen allele CA397440418.

ClinVar aggregate classification (germline): Uncertain significance. Review status: criteria provided, multiple submitters, no conflicts (2 of 4 stars). 2 submissions from 2 submitters: Uncertain significance (2). Last evaluated 2025-01-13.

Conditions:
Inborn genetic diseases. Identifiers: MedGen C0950123, MeSH D030342.
Fanconi anemia (FA). Also called: Fanconi's anemia. Identifiers: Orphanet 84, MedGen C0015625, MeSH D005199, MONDO:0019391.

Allele frequency attached by ClinVar (database versions not stated): gnomAD exomes below 0.00001; TOPMed below 0.00001; gnomAD 0.00001.
gnomAD v4.1: 4 of 1,612,284 alleles (0.00025%); highest among the groups gnomAD compares: Non-Finnish European, 0.00034%; no homozygotes.

Submissions (2):

Ambry Genetics
Classification: Uncertain significance for Inborn genetic diseases. Last evaluated: 2025-01-13. Review status: criteria provided, single submitter. Criteria: Ambry Variant Classification Scheme 2023. Collection method: clinical testing. Allele origin: germline.
Comment: The p.P862A variant (also known as c.2584C>G), located in coding exon 27 of the FANCA gene, results from a C to G substitution at nucleotide position 2584. The proline at codon 862 is replaced by alanine, an amino acid with highly similar properties. This amino acid position is conserved. In addition, this alteration is predicted to be tolerated by in silico analysis. Based on the available evidence, the clinical significance of this variant remains unclear.

Labcorp Genetics (formerly Invitae), Labcorp
Classification: Uncertain significance for Fanconi anemia. Last evaluated: 2021-09-17. Review status: criteria provided, single submitter. Criteria: Invitae Variant Classification Sherloc (09022015). Collection method: clinical testing. Allele origin: germline.
Comment: This sequence change replaces proline with alanine at codon 862 of the FANCA protein (p.Pro862Ala). The proline residue is moderately conserved and there is a small physicochemical difference between proline and alanine. This variant is not present in population databases (ExAC no frequency). This variant has not been reported in the literature in individuals with FANCA-related conditions. Algorithms developed to predict the effect of missense changes on protein structure and function output the following: SIFT: "Tolerated"; PolyPhen-2: "Possibly Damaging"; Align-GVGD: "Class C0". The alanine amino acid residue is found in multiple mammalian species, suggesting that this missense change does not adversely affect protein function. These predictions have not been confirmed by published functional studies and their clinical significance is uncertain. In summary, the available evidence is currently insufficient to determine the role of this variant in disease. Therefore, it has been classified as a Variant of Uncertain Significance.